The following is an entry in ClinVar:

NM_017534.6(MYH2):c.3853C>T (p.Arg1285Cys)

Genes: MYHAS (myosin heavy chain gene cluster antisense RNA; plus strand), MYH2 (myosin heavy chain 2; minus strand). Cytogenetic location: 17p13.1.
Variant type: single nucleotide variant.
Coding change: c.3853C>T on transcript NM_017534.6 (MANE Select); coding-DNA position 3853, C replaced by T.
Protein change: p.Arg1285Cys; replaces arginine 1285 with cysteine.
Molecular consequence: missense variant.
Genome position (GRCh38, 1-based): chr17:10,527,766, G>A on the plus strand (C>T on the coding strand, the complement: MYH2 is on the minus strand). VCF-style: chr17-10527766-G-A. GRCh37 (hg19) VCF-style: chr17-10431083-G-A.
Other names: c.3853C>T (NM_017534.5); c.3853C>T, p.Arg1285Cys (NM_001100112.2); short protein forms R1285C.
Identifiers: ClinVar variation 2706948 (VCV002706948.4), dbSNP rs374494789, ClinGen allele CA398131456.

ClinVar aggregate classification (germline): Uncertain significance. Review status: criteria provided, multiple submitters, no conflicts (2 of 4 stars). 2 submissions from 2 submitters: Uncertain significance (2). Last evaluated 2024-12-04.

Conditions:
Myopathy, proximal, and ophthalmoplegia (CMYO6). Also called: MYOPATHY WITH CONGENITAL JOINT CONTRACTURES, OPHTHALMOPLEGIA, AND RIMMED VACUOLES; INCLUSION BODY MYOPATHY 3, AUTOSOMAL DOMINANT; CONGENITAL MYOPATHY 6 WITH OPHTHALMOPLEGIA. Identifiers: Orphanet 363677, Orphanet 79091, MedGen C1854106, MONDO:0011577, OMIM 605637.
Inborn genetic diseases. Identifiers: MedGen C0950123, MeSH D030342.

gnomAD v4.1: 16 of 1,613,976 alleles (0.00099%); highest among the groups gnomAD compares: Middle Eastern, 0.017%; no homozygotes.

Submissions (2):

Ambry Genetics
Classification: Uncertain significance for Inborn genetic diseases. Last evaluated: 2024-12-04. Review status: criteria provided, single submitter. Criteria: Ambry Variant Classification Scheme 2023. Collection method: clinical testing. Allele origin: germline.

Labcorp Genetics (formerly Invitae), Labcorp
Classification: Uncertain significance for Myopathy, proximal, and ophthalmoplegia. Last evaluated: 2024-05-22. Review status: criteria provided, single submitter. Criteria: Invitae Variant Classification Sherloc (09022015). Collection method: clinical testing. Allele origin: germline.
Comment: This sequence change replaces arginine, which is basic and polar, with cysteine, which is neutral and slightly polar, at codon 1285 of the MYH2 protein (p.Arg1285Cys). This variant is present in population databases (no rsID available, gnomAD 0.01%). This variant has not been reported in the literature in individuals affected with MYH2-related conditions. Advanced modeling of protein sequence and biophysical properties (such as structural, functional, and spatial information, amino acid conservation, physicochemical variation, residue mobility, and thermodynamic stability) performed at Invitae indicates that this missense variant is expected to disrupt MYH2 protein function with a positive predictive value of 80%. In summary, the available evidence is currently insufficient to determine the role of this variant in disease. Therefore, it has been classified as a Variant of Uncertain Significance.